The following is an entry in ClinVar:

ClinVar aggregate classification (germline): Pathogenic/Likely pathogenic. Review status: criteria provided, multiple submitters, no conflicts (2 of 4 stars). 7 submissions from 7 submitters: Pathogenic (1); Likely pathogenic (6). Last evaluated 2026-01-06.

Conditions:
Propionic acidemia (PROP). Also called: GLYCINEMIA, KETOTIC; HYPERGLYCINEMIA WITH KETOACIDOSIS AND LEUKOPENIA; KETOTIC HYPERGLYCINEMIA. Identifiers: Orphanet 35, MedGen C0268579, MONDO:0011628, OMIM 606054, HP:0003571.
PCCB-related disorder. Also called: PCCB-related condition.

Allele frequency attached by ClinVar (database versions not stated): gnomAD exomes 0.00002; TOPMed 0.00002; ExAC 0.00003.
gnomAD v4.1: 4 of 1,614,126 alleles (0.00025%); highest among the groups gnomAD compares: Admixed American, 0.005%; no homozygotes.

Submissions (7):

Labcorp Genetics (formerly Invitae), Labcorp
Classification: Pathogenic for Propionic acidemia. Last evaluated: 2026-01-06. Review status: criteria provided, single submitter. Criteria: Invitae Variant Classification Sherloc (09022015). Collection method: clinical testing. Allele origin: germline.
Comment: This sequence change replaces proline, which is neutral and non-polar, with leucine, which is neutral and non-polar, at codon 279 of the PCCB protein (p.Pro279Leu). This variant is present in population databases (rs780837200, gnomAD 0.01%). This missense change has been observed in individuals with propionic acidemia (PMID: 31757659, 33587123; internal data). ClinVar contains an entry for this variant (Variation ID: 343470). Invitae Evidence Modeling of protein sequence and biophysical properties (such as structural, functional, and spatial information, amino acid conservation, physicochemical variation, residue mobility, and thermodynamic stability) indicates that this missense variant is expected to disrupt PCCB protein function with a positive predictive value of 95%. For these reasons, this variant has been classified as Pathogenic.

Natera, Inc.
Classification: Likely pathogenic for Propionic acidemia. Last evaluated: 2024-11-21. Review status: criteria provided, single submitter. Criteria: Natera Variant Classification Schema (03/2026). Collection method: clinical testing. Allele origin: germline.
Comment: The c.836C>T variant in PCCB is a missense variant predicted to cause substitution of proline to leucine at amino acid 279. This variant is rare in the general population with a frequency below the threshold expected for the associated phenotype(s). This variant has been observed in one or more individuals affected with the associated recessive disease, as either homozygous or compound heterozygous with a second variant (PMID: 31757659, 38722054, 33587123). Computational prediction algorithms indicate this variant is likely to affect gene or protein function. Given the available evidence, this variant is classified as Likely Pathogenic.

Baylor Genetics
Classification: Likely pathogenic for Propionic acidemia. Last evaluated: 2024-03-26. Review status: criteria provided, single submitter. Criteria: ACMG Guidelines, 2015. Collection method: clinical testing. Allele origin: unknown.

GeneDx
Classification: Likely pathogenic. Last evaluated: 2024-03-25. Review status: criteria provided, single submitter. Criteria: GeneDx Variant Classification Process June 2021. Collection method: clinical testing. Allele origin: germline. Affected: yes.
Comment: Not observed at significant frequency in large population cohorts (gnomAD); In silico analysis supports that this missense variant has a deleterious effect on protein structure/function; Also known as c.896C>T, p.(P299L); This variant is associated with the following publications: (PMID: 31757659, 33587123)

Fulgent Genetics
Classification: Likely pathogenic for Propionic acidemia. Last evaluated: 2024-02-19. Review status: criteria provided, single submitter. Criteria: ACMG Guidelines, 2015. Collection method: clinical testing. Allele origin: germline.

PreventionGenetics, part of Exact Sciences
Classification: Likely pathogenic for PCCB-related condition. Last evaluated: 2023-07-11. Review status: criteria provided, single submitter. Criteria: ACMG Guidelines, 2015. Collection method: clinical testing. Allele origin: germline.
Comment: The PCCB c.836C>T variant is predicted to result in the amino acid substitution p.Pro279Leu. This variant, along with a second pathogenic variant, has been reported in multiple individuals with propionic acidemia (Pillai et al. 2019. PubMed ID: 31757659; Maron et al. 2021. PubMed ID: 33587123, Internal Data). This variant is reported in 0.012% of alleles in individuals of Latino descent in gnomAD. In ClinVar, this variant has conflicting interpretations ranging from uncertain to pathogenic. This variant is interpreted as likely pathogenic.

Athena Diagnostics
Classification: Likely pathogenic. Last evaluated: 2019-07-26. Review status: criteria provided, single submitter. Criteria: Athena Diagnostics Criteria. Collection method: clinical testing. Allele origin: unknown.
Comment: The low frequency of this variant in large, multi-ethnic general populations is consistent with pathogenicity for a recessive disorder. This variant has been detected in trans with a rare PCCB variant in at least one individual with clinical features associated with this gene. This observation is not an independent occurrence and has been identified in the same individual by RCIGM, the other laboratory participating in the GEMINI study.

Literature cited by the submitters: PubMed 31757659 (cited by Labcorp Genetics (formerly Invitae), Labcorp and Natera, Inc.); PubMed 33587123 (cited by Labcorp Genetics (formerly Invitae), Labcorp and Natera, Inc.); PubMed 38722054 (cited by Natera, Inc.).

NM_000532.5(PCCB):c.836C>T (p.Pro279Leu)

Gene: PCCB (propionyl-CoA carboxylase subunit beta; plus strand). Cytogenetic location: 3q22.3.
Variant type: single nucleotide variant.
Coding change: c.836C>T on transcript NM_000532.5 (MANE Select); coding-DNA position 836, C replaced by T.
Protein change: p.Pro279Leu; replaces proline 279 with leucine.
Molecular consequence: missense variant.
Genome position (GRCh38, 1-based): chr3:136,298,024, C>T. VCF-style: chr3-136298024-C-T. GRCh37 (hg19) VCF-style: chr3-136016866-C-T.
Other names: c.896C>T, p.Pro299Leu (NM_001178014.2); short protein forms P279L, P299L.
Identifiers: ClinVar variation 343470 (VCV000343470.17), dbSNP rs780837200, ClinGen allele CA2631888.